The following is an entry in ClinVar:

ClinVar aggregate classification (germline): Likely pathogenic (1 of 4 stars; one submission).

Allele frequency attached by ClinVar (database versions not stated): gnomAD exomes 0.00001.
gnomAD v4.1: 8 of 1,612,394 alleles (0.0005%); highest among the groups gnomAD compares: Non-Finnish European, 0.00068%; no homozygotes.

Submission:

Labcorp Genetics (formerly Invitae), Labcorp
Classification: Likely pathogenic. Last evaluated: 2023-11-13. Review status: criteria provided, single submitter. Criteria: Invitae Variant Classification Sherloc (09022015). Collection method: clinical testing. Allele origin: germline.
Comment: This sequence change affects an acceptor splice site in intron 3 of the SLC39A4 gene. It is expected to disrupt RNA splicing. Variants that disrupt the donor or acceptor splice site typically lead to a loss of protein function (PMID: 16199547), and loss-of-function variants in SLC39A4 are known to be pathogenic (PMID: 12955721). This variant is not present in population databases (gnomAD no frequency). This variant has not been reported in the literature in individuals affected with SLC39A4-related conditions. ClinVar contains an entry for this variant (Variation ID: 1516083). Algorithms developed to predict the effect of sequence changes on RNA splicing suggest that this variant may disrupt the consensus splice site. In summary, the currently available evidence indicates that the variant is pathogenic, but additional data are needed to prove that conclusively. Therefore, this variant has been classified as Likely Pathogenic.

Literature cited by the submitters: PubMed 16199547; PubMed 12955721.

NM_130849.4(SLC39A4):c.668-2A>G

Gene: SLC39A4 (solute carrier family 39 member 4; minus strand). Cytogenetic location: 8q24.3.
Variant type: single nucleotide variant.
Coding change: c.668-2A>G on transcript NM_130849.4 (MANE Select); the canonical splice acceptor site of the intron before coding-DNA position 668, A replaced by G.
Molecular consequence: splice acceptor variant.
Genome position (GRCh38, 1-based): chr8:144,415,112, T>C on the plus strand (A>G on the coding strand, the complement: SLC39A4 is on the minus strand). VCF-style: chr8-144415112-T-C. GRCh37 (hg19) VCF-style: chr8-145640496-T-C.
Other names: c.386-2A>G (NM_001374839.1); c.593-2A>G (NM_017767.3).
Identifiers: ClinVar variation 1516083 (VCV001516083.6), dbSNP rs2130800155, ClinGen allele CA372623078.
Genomic context (GRCh38, chr8:144,415,112, plus strand): 5'-ACTGTGGTCACTGTGGGCCTCCCTGCCCACCCCCAGGCGCTGCATCAAGGCTGACAGCTC[T>C]GGCAGGGAGAAGAGTTGGCACCGCGAGTCTGTGTGGGCTCCGGCCCTGCCCCCCAGGGAC-3'